The following is an entry in ClinVar:

NM_000377.3(WAS):c.1150C>T (p.Pro384Ser)

Gene: WAS (WASP actin nucleation promoting factor; plus strand). Cytogenetic location: Xp11.23.
Variant type: single nucleotide variant.
Coding change: c.1150C>T on transcript NM_000377.3 (MANE Select); coding-DNA position 1150, C replaced by T.
Protein change: p.Pro384Ser; replaces proline 384 with serine.
Molecular consequence: missense variant.
Genome position (GRCh38, 1-based): chrX:48,688,878, C>T. VCF-style: chrX-48688878-C-T. GRCh37 (hg19) VCF-style: chrX-48547267-C-T.
Other names: short protein forms P384S.
Identifiers: ClinVar variation 1336214 (VCV001336214.28), dbSNP rs782761074, ClinGen allele CA10404041.

ClinVar aggregate classification (germline): Conflicting classifications of pathogenicity. Review status: criteria provided, conflicting classifications (1 of 4 stars). 4 submissions from 4 submitters: Uncertain significance (3); Likely benign (1). Last evaluated 2024-02-01.

Conditions:
X-linked severe congenital neutropenia (SCNX). Identifiers: Orphanet 86788, MedGen C1845987, MONDO:0010294, OMIM 300299.
Thrombocytopenia 1. Also called: X-Linked Thrombocytopenia (XLT); THROMBOCYTOPENIA, X-LINKED, 1; X-linked thrombocytopenia with normal platelets. Identifiers: Orphanet 268322, Orphanet 852, MedGen C1839163, MONDO:0010743, OMIM 313900.
Wiskott-Aldrich syndrome (WAS). Also called: WISKOTT-ALDRICH SYNDROME 1; ALDRICH SYNDROME; IMMUNODEFICIENCY 2; Wiskott-aldrich syndrome, somatic. Identifiers: Orphanet 906, MedGen C0043194, MONDO:0010518, OMIM 301000.

Allele frequency attached by ClinVar (database versions not stated): gnomAD exomes 0.00003; TOPMed 0.00003; gnomAD 0.00004 and 0.00005; ExAC 0.00012.
gnomAD v4.1: 55 of 1,162,521 alleles (0.0047%); highest among the groups gnomAD compares: Non-Finnish European, 0.0059%; no homozygotes.

Submissions (4):

CeGaT Center for Human Genetics Tuebingen
Classification: Likely benign. Last evaluated: 2024-02-01. Review status: criteria provided, single submitter. Criteria: CeGaT Center For Human Genetics Tuebingen Variant Classification Criteria Version 2. Collection method: clinical testing. Allele origin: germline. Affected: yes. Observed: 1 variant allele.
Comment: WAS: BS2

Labcorp Genetics (formerly Invitae), Labcorp
Classification: Uncertain significance for Wiskott-Aldrich syndrome; X-linked severe congenital neutropenia; Thrombocytopenia 1. Last evaluated: 2022-03-09. Review status: criteria provided, single submitter. Criteria: Invitae Variant Classification Sherloc (09022015). Collection method: clinical testing. Allele origin: germline.
Comment: This sequence change replaces proline, which is neutral and non-polar, with serine, which is neutral and polar, at codon 384 of the WAS protein (p.Pro384Ser). The frequency data for this variant in the population databases is considered unreliable, as metrics indicate poor data quality at this position in the gnomAD database. This variant has not been reported in the literature in individuals affected with WAS-related conditions. Experimental studies and prediction algorithms are not available or were not evaluated, and the functional significance of this variant is currently unknown. In summary, the available evidence is currently insufficient to determine the role of this variant in disease. Therefore, it has been classified as a Variant of Uncertain Significance.

Fulgent Genetics
Classification: Uncertain significance for X-linked severe congenital neutropenia; Wiskott-Aldrich syndrome; Thrombocytopenia 1. Last evaluated: 2022-01-12. Review status: criteria provided, single submitter. Criteria: ACMG Guidelines, 2015. Collection method: clinical testing. Allele origin: unknown.

Genetic Services Laboratory, University of Chicago
Classification: Uncertain significance. Last evaluated: 2017-09-01. Review status: criteria provided, single submitter. Criteria: ACMG Guidelines, 2015. Collection method: clinical testing. Allele origin: germline. Affected: no.